The following is an entry in ClinVar:

ClinVar aggregate classification (germline): Uncertain significance (0 of 4 stars; one submission).

Conditions:
PLXNA1-related disorder. Also called: PLXNA1-related condition.

Submission:

PreventionGenetics, part of Exact Sciences
Classification: Uncertain significance for PLXNA1-related condition. Last evaluated: 2024-07-26. Review status: no assertion criteria provided. Collection method: clinical testing. Allele origin: germline.
Comment: The PLXNA1 c.2110G>A variant is predicted to result in the amino acid substitution p.Glu704Lys. To our knowledge, this variant has not been reported in the literature or in a large population database, indicating this variant is rare. At this time, the clinical significance of this variant is uncertain due to the absence of conclusive functional and genetic evidence.

NM_032242.4(PLXNA1):c.2110G>A (p.Glu704Lys)

Gene: PLXNA1 (plexin A1; plus strand). Cytogenetic location: 3q21.3.
Variant type: single nucleotide variant.
Coding change: c.2110G>A on transcript NM_032242.4 (MANE Select); coding-DNA position 2110, G replaced by A.
Protein change: p.Glu704Lys; replaces glutamic acid 704 with lysine.
Molecular consequence: missense variant.
Genome position (GRCh38, 1-based): chr3:127,007,911, G>A. VCF-style: chr3-127007911-G-A. GRCh37 (hg19) VCF-style: chr3-126726754-G-A.
Other names: short protein forms E704K.
Identifiers: ClinVar variation 3346575 (VCV003346575.1).
Genomic context (GRCh38, chr3:127,007,911, plus strand): 5'-CACGTGTGCACACACAACGTGGCTGACTGCGCCTTCCTGGAGGGCCGTGTCAACGTGTCT[G>A]AGGTAAGGCCGGGCAAGGGTGAGGGTCAGGTTTTCAGAGGTGGAGCAGAACTGGGTTGAG-3'
Protein context (NP_115618.3, residues 694-714): AFLEGRVNVS[Glu704Lys]DCPQILPSTQ